The following is an entry in ClinVar:

ClinVar aggregate classification (germline): Uncertain significance. Review status: criteria provided, multiple submitters, no conflicts (2 of 4 stars). 2 submissions from 2 submitters: Uncertain significance (2). Last evaluated 2025-05-13.

Conditions:
Inborn genetic diseases. Identifiers: MedGen C0950123, MeSH D030342.

Allele frequency attached by ClinVar (database versions not stated): ESP Exome Variant Server 0.00008; ExAC 0.00002; TOPMed 0.00006; gnomAD exomes 0.00001; gnomAD 0.00005.
gnomAD v4.1: 25 of 1,614,112 alleles (0.0015%); highest among the groups gnomAD compares: African/African-American, 0.011%; no homozygotes.

Submissions (2):

Ambry Genetics
Classification: Uncertain significance for Inborn genetic diseases. Last evaluated: 2025-05-13. Review status: criteria provided, single submitter. Criteria: Ambry Variant Classification Scheme 2023. Collection method: clinical testing. Allele origin: germline.

Labcorp Genetics (formerly Invitae), Labcorp
Classification: Uncertain significance. Last evaluated: 2022-01-28. Review status: criteria provided, single submitter. Criteria: Invitae Variant Classification Sherloc (09022015). Collection method: clinical testing. Allele origin: germline.
Comment: This sequence change replaces arginine, which is basic and polar, with glutamine, which is neutral and polar, at codon 2466 of the DNAH9 protein (p.Arg2466Gln). This variant is present in population databases (rs369452716, gnomAD 0.007%). This variant has not been reported in the literature in individuals affected with DNAH9-related conditions. Algorithms developed to predict the effect of missense changes on protein structure and function output the following: SIFT: "Tolerated"; PolyPhen-2: "Benign"; Align-GVGD: "Class C0". The glutamine amino acid residue is found in multiple mammalian species, which suggests that this missense change does not adversely affect protein function. Algorithms developed to predict the effect of sequence changes on RNA splicing suggest that this variant may create or strengthen a splice site. In summary, the available evidence is currently insufficient to determine the role of this variant in disease. Therefore, it has been classified as a Variant of Uncertain Significance.

NM_001372.4(DNAH9):c.7397G>A (p.Arg2466Gln)

Gene: DNAH9 (dynein axonemal heavy chain 9; plus strand). Cytogenetic location: 17p12.
Variant type: single nucleotide variant.
Coding change: c.7397G>A on transcript NM_001372.4 (MANE Select); coding-DNA position 7397, G replaced by A.
Protein change: p.Arg2466Gln; replaces arginine 2466 with glutamine.
Molecular consequence: missense variant.
Genome position (GRCh38, 1-based): chr17:11,769,174, G>A. VCF-style: chr17-11769174-G-A. GRCh37 (hg19) VCF-style: chr17-11672491-G-A.
Other names: c.7397G>A (NM_001372.3); short protein forms R2466Q.
Identifiers: ClinVar variation 1364409 (VCV001364409.6), dbSNP rs369452716, ClinGen allele CA8396618.